The following is an entry in ClinVar:

ClinVar aggregate classification (germline): Pathogenic (1 of 4 stars; one submission).

Allele frequency attached by ClinVar (database versions not stated): gnomAD 0.00003; TOPMed 0.00003; ESP Exome Variant Server 0.00008; gnomAD exomes below 0.00001; ExAC 0.00001.

Submission:

Labcorp Genetics (formerly Invitae), Labcorp
Classification: Pathogenic. Last evaluated: 2017-10-13. Review status: criteria provided, single submitter. Criteria: Invitae Variant Classification Sherloc (09022015). Collection method: clinical testing. Allele origin: germline.
Comment: This sequence change creates a premature translational stop signal (p.Glu320Glyfs*16) in the CYP7A1 gene. It is expected to result in an absent or disrupted protein product. This variant is present in population databases (rs750877978, ExAC 0.01%). This variant has not been reported in the literature in individuals with CYP7A1-related disease. Loss-of-function variants in CYP7A1 are known to be pathogenic (PMID: 8663429, 8663430, 12093894). For these reasons, this variant has been classified as Pathogenic.

Literature cited by the submitters: PubMed 8663429; PubMed 8663430; PubMed 12093894.

NM_000780.4(CYP7A1):c.959del (p.Glu320fs)

Gene: CYP7A1 (cytochrome P450 family 7 subfamily A member 1; minus strand). Cytogenetic location: 8q12.1.
Variant type: Deletion.
Coding change: c.959del on transcript NM_000780.4 (MANE Select); coding-DNA position 959, one base deleted (A; older notation c.959delA).
Protein change: p.Glu320fs; shifts the reading frame from glutamic acid 320.
Molecular consequence: frameshift variant.
Genome position (GRCh38, 1-based): chr8:58,494,586, T deleted on the plus strand (A on the coding strand, the reverse complement: CYP7A1 is on the minus strand). VCF-style (leftmost placement, unchanged base first): chr8-58494585-CT-C. GRCh37 (hg19) VCF-style: chr8-59407144-CT-C.
Other names: short protein forms E320fs.
Identifiers: ClinVar variation 1070878 (VCV001070878.1), dbSNP rs750877978, ClinGen allele CA4756694.